The following is an entry in ClinVar:

NM_000110.4(DPYD):c.321+15A>C

Gene: DPYD (dihydropyrimidine dehydrogenase; minus strand). Cytogenetic location: 1p21.3.
Variant type: single nucleotide variant.
Coding change: c.321+15A>C on transcript NM_000110.4 (MANE Select); 15 bases into the intron after coding-DNA position 321, A replaced by C.
Molecular consequence: intron variant.
Genome position (GRCh38, 1-based): chr1:97,740,377, T>G on the plus strand (A>C on the coding strand, the complement: DPYD is on the minus strand). VCF-style: chr1-97740377-T-G. GRCh37 (hg19) VCF-style: chr1-98205933-T-G.
Other names: c.321+15A>C (NM_001160301.1).
Identifiers: ClinVar variation 633189 (VCV000633189.3), dbSNP rs370363977, ClinGen allele CA963727.

ClinVar aggregate classification (germline): Conflicting classifications of pathogenicity. Review status: criteria provided, conflicting classifications (1 of 4 stars). 3 submissions from 3 submitters: Uncertain significance (2); Likely benign (1). Last evaluated 2024-09-17.

Allele frequency attached by ClinVar (database versions not stated): gnomAD 0.00004; TOPMed 0.00006; ESP Exome Variant Server 0.00008; gnomAD exomes 0.00010 and 0.00014; ExAC 0.00019.
gnomAD v4.1: 156 of 1,593,848 alleles (0.0098%); highest among the groups gnomAD compares: Middle Eastern, 0.083%; no homozygotes.

Submissions (3):

Blueprint Genetics
Classification: Likely benign. Last evaluated: 2024-09-17. Review status: criteria provided, single submitter. Criteria: ACMG Guidelines, 2015. Collection method: clinical testing. Allele origin: germline.

Women's Health and Genetics/Laboratory Corporation of America, LabCorp
Classification: Uncertain significance. Last evaluated: 2018-12-07. Review status: criteria provided, single submitter. Criteria: LabCorp Variant Classification Summary - May 2015. Collection method: clinical testing. Allele origin: germline.
Comment: Variant summary: DPYD c.321+15A>C alters a non-conserved nucleotide located close to a canonical splice site and therefore could affect mRNA splicing, leading to a significantly altered protein sequence. 5/5 computational tools predict no significant impact on normal splicing. However, these predictions have yet to be confirmed by functional studies. The variant allele was found at a frequency of 0.00014 in 245716 control chromosomes. This frequency is not significantly higher than expected for a pathogenic variant in DPYD causing Dihydropyrimidine Dehydrogenase Deficiency (0.00014 vs 0.0025), allowing no conclusion about variant significance. To our knowledge, no occurrence of c.321+15A>C in individuals affected with Dihydropyrimidine Dehydrogenase Deficiency and no experimental evidence demonstrating its impact on protein function have been reported. No clinical diagnostic laboratories have submitted clinical-significance assessments for this variant to ClinVar after 2014. Based on the evidence outlined above, the variant was classified as uncertain significance.

Breakthrough Genomics
Classification: Uncertain significance. Review status: criteria provided, single submitter. Criteria: ACMG Guidelines, 2015. Collection method: not provided. Allele origin: germline. Inheritance: Autosomal recessive inheritance. Affected: yes.